The following is an entry in ClinVar:

NM_016341.4(PLCE1):c.5979del (p.Gly1994fs)

Gene: PLCE1 (phospholipase C epsilon 1; plus strand). Cytogenetic location: 10q23.33.
Variant type: Deletion.
Coding change: c.5979del on transcript NM_016341.4 (MANE Select); coding-DNA position 5979, one base deleted (T; older notation c.5979delT).
Protein change: p.Gly1994fs; shifts the reading frame from glycine 1994.
Molecular consequence: frameshift variant.
Genome position (GRCh38, 1-based): chr10:94,308,675, T deleted. VCF-style (leftmost placement, unchanged base first): chr10-94308674-CT-C. GRCh37 (hg19) VCF-style: chr10-96068431-CT-C.
Other names: c.5055del, p.Gly1686fs (NM_001165979.2); c.5931del, p.Gly1978fs (NM_001288989.2); short protein forms G1978fs, G1686fs, G1994fs.
Identifiers: ClinVar variation 1929666 (VCV001929666.6), dbSNP rs1439063013, ClinGen allele CA595296999.

ClinVar aggregate classification (germline): Pathogenic. Review status: criteria provided, multiple submitters, no conflicts (2 of 4 stars). 2 submissions from 2 submitters: Pathogenic (2). Last evaluated 2024-12-19.

Conditions:
Nephrotic syndrome, type 3 (NPHS3). Also called: NEPHROTIC SYNDROME, EARLY-ONSET, TYPE 3. Identifiers: Orphanet 656, MedGen C1853124, MONDO:0012546, OMIM 610725.

Allele frequency attached by ClinVar (database versions not stated): gnomAD exomes below 0.00001; TOPMed below 0.00001.

Submissions (2):

Labcorp Genetics (formerly Invitae), Labcorp
Classification: Pathogenic. Last evaluated: 2024-12-19. Review status: criteria provided, single submitter. Criteria: Invitae Variant Classification Sherloc (09022015). Collection method: clinical testing. Allele origin: germline.
Comment: This sequence change creates a premature translational stop signal (p.Gly1994Alafs*53) in the PLCE1 gene. It is expected to result in an absent or disrupted protein product. Loss-of-function variants in PLCE1 are known to be pathogenic (PMID: 17086182, 20591883). This variant is present in population databases (no rsID available, gnomAD 0.006%). This variant has not been reported in the literature in individuals affected with PLCE1-related conditions. ClinVar contains an entry for this variant (Variation ID: 1929666). For these reasons, this variant has been classified as Pathogenic.

Fulgent Genetics
Classification: Pathogenic for Nephrotic syndrome, type 3. Last evaluated: 2024-04-23. Review status: criteria provided, single submitter. Criteria: ACMG Guidelines, 2015. Collection method: clinical testing. Allele origin: germline.

Literature cited by the submitters: PubMed 17086182 (cited by Labcorp Genetics (formerly Invitae), Labcorp); PubMed 20591883 (cited by Labcorp Genetics (formerly Invitae), Labcorp).